The following is an entry in ClinVar:

ClinVar aggregate classification (germline): Uncertain significance (1 of 4 stars; one submission).

Conditions:
Early-infantile DEE. Also called: Early infantile epileptic encephalopathy; Ohtahara syndrome; Early infantile epileptic encephalopathy with suppression bursts. Identifiers: Orphanet 1934, MedGen C0393706, MONDO:0800491.

Submission:

Labcorp Genetics (formerly Invitae), Labcorp
Classification: Uncertain significance for Early-infantile DEE. Last evaluated: 2022-07-11. Review status: criteria provided, single submitter. Criteria: Invitae Variant Classification Sherloc (09022015). Collection method: clinical testing. Allele origin: germline.
Comment: ClinVar contains an entry for this variant (Variation ID: 1390572). In summary, the available evidence is currently insufficient to determine the role of this variant in disease. Therefore, it has been classified as a Variant of Uncertain Significance. Algorithms developed to predict the effect of missense changes on protein structure and function are either unavailable or do not agree on the potential impact of this missense change (SIFT: "Deleterious"; PolyPhen-2: "Possibly Damaging"; Align-GVGD: "Class C0"). This variant has not been reported in the literature in individuals affected with SCN8A-related conditions. This variant is not present in population databases (gnomAD no frequency). This sequence change replaces methionine, which is neutral and non-polar, with isoleucine, which is neutral and non-polar, at codon 952 of the SCN8A protein (p.Met952Ile).

NM_001330260.2(SCN8A):c.2856G>A (p.Met952Ile)

Gene: SCN8A (sodium voltage-gated channel alpha subunit 8; plus strand). Cytogenetic location: 12q13.13.
Variant type: single nucleotide variant.
Coding change: c.2856G>A on transcript NM_001330260.2 (MANE Select); coding-DNA position 2856, G replaced by A.
Protein change: p.Met952Ile; replaces methionine 952 with isoleucine.
Molecular consequence: missense variant.
Genome position (GRCh38, 1-based): chr12:51,765,982, G>A. VCF-style: chr12-51765982-G-A. GRCh37 (hg19) VCF-style: chr12-52159766-G-A.
Other names: c.2856G>A, p.Met952Ile (NM_001177984.3, NM_001369788.1, NM_014191.4); short protein forms M952I.
Identifiers: ClinVar variation 1390572 (VCV001390572.9), dbSNP rs2138863058, ClinGen allele CA384889706.
Genomic context (GRCh38, chr12:51,765,982, plus strand): 5'-GTTGTGCGGGGAGTGGATTGAGACCATGTGGGACTGCATGGAAGTGGCAGGCCAGGCCAT[G>A]TGCCTCATTGTCTTTATGATGGTCATGGTGATTGGCAACTTGGTGGTTAGTACTAATTTG-3'
Protein context (NP_001317189.1, residues 942-962): WDCMEVAGQA[Met952Ile]CLIVFMMVMV